The following is an entry in ClinVar:

NM_007294.4(BRCA1):c.362A>G (p.Glu121Gly)

Gene: BRCA1 (BRCA1 DNA repair associated; minus strand). Cytogenetic location: 17q21.31.
Variant type: single nucleotide variant.
Coding change: c.362A>G on transcript NM_007294.4 (MANE Select); coding-DNA position 362, A replaced by G.
Protein change: p.Glu121Gly; replaces glutamic acid 121 with glycine.
Molecular consequence: missense variant. On other transcripts: non-coding transcript variant (1).
Genome position (GRCh38, 1-based): chr17:43,104,201, T>C on the plus strand (A>G on the coding strand, the complement: BRCA1 is on the minus strand). VCF-style: chr17-43104201-T-C. GRCh37 (hg19) VCF-style: chr17-41256218-T-C.
Other names: c.362A>G, p.Glu121Gly (NM_001407627.1, NM_001408494.1, NM_001407938.1 and 165 more transcripts); c.152A>G, p.Glu51Gly (NM_001408482.1, NM_001408483.1, NM_001408485.1 and 58 more transcripts); c.221A>G, p.Glu74Gly (NM_001407942.1, NM_001407943.1, NM_001407692.1 and 99 more transcripts); c.353A>G, p.Glu118Gly (NM_001407646.1, NM_001407647.1, NM_001408408.1); c.284A>G, p.Glu95Gly (NM_001407653.1, NM_001407654.1, NM_001407655.1 and 21 more transcripts); c.-20A>G (NM_001407959.1, NM_001407960.1, NM_001407962.1 and 4 more transcripts); c.230A>G, p.Glu77Gly (NM_001408451.1); short protein forms E121G, E74G, E118G, E95G, E77G, E51G.
Identifiers: ClinVar variation 462617 (VCV000462617.10), dbSNP rs1555596419, ClinGen allele CA10601420.

ClinVar aggregate classification (germline): Uncertain significance (1 of 4 stars; one submission).

Conditions:
Hereditary breast ovarian cancer syndrome. Also called: Hereditary breast and ovarian cancer syndrome (HBOC); Hereditary breast and ovarian cancer syndrome; Breast and ovarian cancer; Hereditary breast and/or ovarian cancer syndrome; Hereditary breast and ovarian cancer; BRCA1- and BRCA2-Associated Hereditary Breast and Ovarian Cancer. Identifiers: Orphanet 145, MedGen C0677776, MeSH D061325, MONDO:0003582. Disease mechanism: loss of function.

Submission:

Labcorp Genetics (formerly Invitae), Labcorp
Classification: Uncertain significance for Hereditary breast ovarian cancer syndrome. Last evaluated: 2017-01-19. Review status: criteria provided, single submitter. Criteria: Invitae Variant Classification Sherloc (09022015). Collection method: clinical testing. Allele origin: germline.
Comment: This variant is not present in population databases (ExAC no frequency) and has not been reported in the literature in individuals with a BRCA1-related disease. This sequence change replaces glutamic acid with glycine at codon 121 of the BRCA1 protein (p.Glu121Gly). The glutamic acid residue is moderately conserved and there is a moderate physicochemical difference between glutamic acid and glycine. Algorithms developed to predict the effect of missense changes on protein structure and function do not agree on the potential impact of this missense change (SIFT: "Tolerated"; PolyPhen-2: "Possibly Damaging"; Align-GVGD: "Class C0"). In summary, this variant is a novel missense change with uncertain impact on protein function. It has been classified as a Variant of Uncertain Significance.